The following is an entry in ClinVar:

ClinVar aggregate classification (germline): Uncertain significance (1 of 4 stars; one submission).

Conditions:
Myofibrillar myopathy 6. Identifiers: Orphanet 199340, MedGen C2751831, MONDO:0013061, OMIM 612954.
Dilated cardiomyopathy 1HH (CMD1HH). Identifiers: Orphanet 154, MedGen C3151293, MONDO:0013479, OMIM 613881.

Allele frequency attached by ClinVar (database versions not stated): gnomAD exomes below 0.00001.
gnomAD v4.1: 5 of 1,599,608 alleles (0.00031%); highest among the groups gnomAD compares: Non-Finnish European, 0.00043%; no homozygotes.

Submission:

Labcorp Genetics (formerly Invitae), Labcorp
Classification: Uncertain significance for Dilated cardiomyopathy 1HH; Myofibrillar myopathy 6. Last evaluated: 2023-11-11. Review status: criteria provided, single submitter. Criteria: Invitae Variant Classification Sherloc (09022015). Collection method: clinical testing. Allele origin: germline.
Comment: This sequence change replaces proline, which is neutral and non-polar, with leucine, which is neutral and non-polar, at codon 23 of the BAG3 protein (p.Pro23Leu). This variant is not present in population databases (gnomAD no frequency). This variant has not been reported in the literature in individuals affected with BAG3-related conditions. ClinVar contains an entry for this variant (Variation ID: 999488). An algorithm developed to predict the effect of missense changes on protein structure and function (PolyPhen-2) suggests that this variant is likely to be disruptive. In summary, the available evidence is currently insufficient to determine the role of this variant in disease. Therefore, it has been classified as a Variant of Uncertain Significance.

NM_004281.4(BAG3):c.68C>T (p.Pro23Leu)

Gene: BAG3 (BAG cochaperone 3; plus strand). Cytogenetic location: 10q26.11.
Variant type: single nucleotide variant.
Coding change: c.68C>T on transcript NM_004281.4 (MANE Select); coding-DNA position 68, C replaced by T.
Protein change: p.Pro23Leu; replaces proline 23 with leucine.
Molecular consequence: missense variant.
Genome position (GRCh38, 1-based): chr10:119,651,743, C>T. VCF-style: chr10-119651743-C-T. GRCh37 (hg19) VCF-style: chr10-121411255-C-T.
Other names: short protein forms P23L.
Identifiers: ClinVar variation 999488 (VCV000999488.8), dbSNP rs1846843077, ClinGen allele CA378294107.